The following is an entry in ClinVar:

ClinVar aggregate classification (germline): Uncertain significance (1 of 4 stars; one submission).

Conditions:
IFT74-related disorder. Also called: IFT74-related condition; IFT74-Related Disorders.

gnomAD v4.1: 1 of 1,590,318 alleles (0.000063%); no homozygotes.

Submission:

PreventionGenetics, part of Exact Sciences
Classification: Uncertain significance for IFT74-related condition. Last evaluated: 2026-02-10. Review status: criteria provided, single submitter. Criteria: ACMG Guidelines, 2015. Collection method: clinical testing. Allele origin: germline.
Comment: The IFT74 c.1529C>A variant is predicted to result in the amino acid substitution p.Thr510Asn. To our knowledge, this variant has not been reported in the literature or in a large population database, indicating this variant is rare. At this time, the clinical significance of this variant is uncertain due to the absence of conclusive functional and genetic evidence.

NM_025103.4(IFT74):c.1529C>A (p.Thr510Asn)

Gene: IFT74 (intraflagellar transport 74; plus strand). Cytogenetic location: 9p21.2.
Variant type: single nucleotide variant.
Coding change: c.1529C>A on transcript NM_025103.4 (MANE Select); coding-DNA position 1529, C replaced by A.
Protein change: p.Thr510Asn; replaces threonine 510 with asparagine.
Molecular consequence: missense variant.
Genome position (GRCh38, 1-based): chr9:27,056,365, C>A. VCF-style: chr9-27056365-C-A. GRCh37 (hg19) VCF-style: chr9-27056363-C-A.
Other names: c.1529C>A, p.Thr510Asn (NM_001099222.3, NM_001099223.3, NM_001349928.2); short protein forms T510N.
Identifiers: ClinVar variation 4986270 (VCV004986270.1).